The following is an entry in ClinVar:

NM_133497.4(KCNV2):c.1014G>A (p.Val338=)

Gene: KCNV2 (potassium voltage-gated channel modifier subfamily V member 2; plus strand). Cytogenetic location: 9p24.2.
Variant type: single nucleotide variant.
Coding change: c.1014G>A on transcript NM_133497.4 (MANE Select); coding-DNA position 1014, G replaced by A.
Protein change: p.Val338=; no amino-acid change (valine 338 retained).
Molecular consequence: synonymous variant.
Genome position (GRCh38, 1-based): chr9:2,718,753, G>A. VCF-style: chr9-2718753-G-A. GRCh37 (hg19) VCF-style: chr9-2718753-G-A.
Identifiers: ClinVar variation 4983722 (VCV004983722.1).

ClinVar aggregate classification (germline): Likely benign (1 of 4 stars; one submission).

Conditions:
KCNV2-related disorder. Also called: KCNV2-related condition.

gnomAD v4.1: 6 of 1,611,654 alleles (0.00037%); highest among the groups gnomAD compares: Middle Eastern, 0.017%; no homozygotes.

Submission:

PreventionGenetics, part of Exact Sciences
Classification: Likely benign for KCNV2-related condition. Last evaluated: 2026-09-26. Review status: criteria provided, single submitter. Criteria: ACMG Guidelines, 2015. Collection method: clinical testing. Allele origin: germline.
Comment: This variant is classified as likely benign based on ACMG/AMP sequence variant interpretation guidelines (Richards et al. 2015 PMID: 25741868, with internal and published modifications).